The following is an entry in ClinVar:

NM_152594.3(SPRED1):c.823G>T (p.Asp275Tyr)

Gene: SPRED1 (sprouty related EVH1 domain containing 1; plus strand). Cytogenetic location: 15q14.
Variant type: single nucleotide variant.
Coding change: c.823G>T on transcript NM_152594.3 (MANE Select); coding-DNA position 823, G replaced by T.
Protein change: p.Asp275Tyr; replaces aspartic acid 275 with tyrosine.
Molecular consequence: missense variant.
Genome position (GRCh38, 1-based): chr15:38,351,152, G>T. VCF-style: chr15-38351152-G-T. GRCh37 (hg19) VCF-style: chr15-38643353-G-T.
Other names: short protein forms D275Y.
Identifiers: ClinVar variation 1334308 (VCV001334308.5), dbSNP rs780737673, ClinGen allele CA7470189.

ClinVar aggregate classification (germline): Uncertain significance. Review status: criteria provided, multiple submitters, no conflicts (2 of 4 stars). 3 submissions from 3 submitters: Uncertain significance (3). Last evaluated 2025-10-13.

Conditions:
Cardiovascular phenotype. Identifiers: MedGen CN230736.
Legius syndrome. Identifiers: Orphanet 137605, MedGen C1969623, MONDO:0012669, OMIM 611431. Disease mechanism: loss of function.
Noonan syndrome and Noonan-related syndrome. Identifiers: Orphanet 98733, MedGen C5681679, MONDO:0020297.

Allele frequency attached by ClinVar (database versions not stated): gnomAD exomes below 0.00001; TOPMed below 0.00001; ExAC 0.00001.
gnomAD v4.1: 5 of 1,614,078 alleles (0.00031%); highest among the groups gnomAD compares: Non-Finnish European, 0.00025%; no homozygotes.

Submissions (3):

Ambry Genetics
Classification: Uncertain significance for Cardiovascular phenotype. Last evaluated: 2025-10-13. Review status: criteria provided, single submitter. Criteria: Ambry Variant Classification Scheme 2023. Collection method: clinical testing. Allele origin: germline.
Comment: The p.D275Y variant (also known as c.823G>T), located in coding exon 7 of the SPRED1 gene, results from a G to T substitution at nucleotide position 823. The aspartic acid at codon 275 is replaced by tyrosine, an amino acid with highly dissimilar properties. This amino acid position is conserved. In addition, the in silico prediction for this alteration is inconclusive. Based on the available evidence, the clinical significance of this variant remains unclear.

Labcorp Genetics (formerly Invitae), Labcorp
Classification: Uncertain significance for Legius syndrome. Last evaluated: 2025-09-16. Review status: criteria provided, single submitter. Criteria: Invitae Variant Classification Sherloc (09022015). Collection method: clinical testing. Allele origin: germline.
Comment: This sequence change replaces aspartic acid, which is acidic and polar, with tyrosine, which is neutral and polar, at codon 275 of the SPRED1 protein (p.Asp275Tyr). This variant is present in population databases (rs780737673, gnomAD 0.0009%). This variant has not been reported in the literature in individuals affected with SPRED1-related conditions. ClinVar contains an entry for this variant (Variation ID: 1334308). Invitae Evidence Modeling of protein sequence and biophysical properties (such as structural, functional, and spatial information, amino acid conservation, physicochemical variation, residue mobility, and thermodynamic stability) indicates that this missense variant is not expected to disrupt SPRED1 protein function with a negative predictive value of 80%. In summary, the available evidence is currently insufficient to determine the role of this variant in disease. Therefore, it has been classified as a Variant of Uncertain Significance.

Genome Diagnostics Laboratory, The Hospital for Sick Children
Classification: Uncertain significance for Noonan syndrome and Noonan-related syndrome. Last evaluated: 2019-08-01. Review status: criteria provided, single submitter. Criteria: ACMG Guidelines, 2015. Collection method: clinical testing. Allele origin: germline.